The following is an entry in ClinVar:

ClinVar aggregate classification (germline): Uncertain significance (1 of 4 stars; one submission).

Allele frequency attached by ClinVar (database versions not stated): gnomAD exomes below 0.00001; TOPMed below 0.00001; ExAC 0.00002; ESP Exome Variant Server 0.00008.
gnomAD v4.1: 5 of 1,613,240 alleles (0.00031%); highest among the groups gnomAD compares: Admixed American, 0.0067%; no homozygotes.

Submission:

Labcorp Genetics (formerly Invitae), Labcorp
Classification: Uncertain significance. Last evaluated: 2024-04-17. Review status: criteria provided, single submitter. Criteria: Invitae Variant Classification Sherloc (09022015). Collection method: clinical testing. Allele origin: germline.
Comment: This sequence change replaces glutamic acid, which is acidic and polar, with alanine, which is neutral and non-polar, at codon 573 of the PNPT1 protein (p.Glu573Ala). This variant is present in population databases (rs373628268, gnomAD 0.01%). This variant has not been reported in the literature in individuals affected with PNPT1-related conditions. ClinVar contains an entry for this variant (Variation ID: 1924738). Advanced modeling of protein sequence and biophysical properties (such as structural, functional, and spatial information, amino acid conservation, physicochemical variation, residue mobility, and thermodynamic stability) performed at Invitae indicates that this missense variant is not expected to disrupt PNPT1 protein function with a negative predictive value of 80%. In summary, the available evidence is currently insufficient to determine the role of this variant in disease. Therefore, it has been classified as a Variant of Uncertain Significance.

NM_033109.5(PNPT1):c.1718A>C (p.Glu573Ala)

Gene: PNPT1 (polyribonucleotide nucleotidyltransferase 1; minus strand). Cytogenetic location: 2p16.1.
Variant type: single nucleotide variant.
Coding change: c.1718A>C on transcript NM_033109.5 (MANE Select); coding-DNA position 1718, A replaced by C.
Protein change: p.Glu573Ala; replaces glutamic acid 573 with alanine.
Molecular consequence: missense variant.
Genome position (GRCh38, 1-based): chr2:55,646,279, T>G on the plus strand (A>C on the coding strand, the complement: PNPT1 is on the minus strand). VCF-style: chr2-55646279-T-G. GRCh37 (hg19) VCF-style: chr2-55873414-T-G.
Other names: short protein forms E573A.
Identifiers: ClinVar variation 1924738 (VCV001924738.4), dbSNP rs373628268, ClinGen allele CA1667978.
Genomic context (GRCh38, chr2:55,646,279, plus strand): 5'-GTGGAAAAGAATGAAGGGAGAATCAAGCACACTAGCTCACCTGAAGCTTGTTGAATAGCC[T>G]CCATCACAATTTTTATTGGTATTCCAGGTAATTTAATATCAGCCTAATATGGAAAAGTCA-3'
Protein context (NP_149100.2, residues 563-583): LPGIPIKIVM[Glu573Ala]AIQQASVAKK